The following is an entry in ClinVar:

NM_006767.4(LZTR1):c.661A>C (p.Ser221Arg)

Gene: LZTR1 (leucine zipper like post translational regulator 1; plus strand). Cytogenetic location: 22q11.21.
Variant type: single nucleotide variant.
Coding change: c.661A>C on transcript NM_006767.4 (MANE Select); coding-DNA position 661, A replaced by C.
Protein change: p.Ser221Arg; replaces serine 221 with arginine.
Molecular consequence: missense variant.
Genome position (GRCh38, 1-based): chr22:20,990,395, A>C. VCF-style: chr22-20990395-A-C. GRCh37 (hg19) VCF-style: chr22-21344684-A-C.
Other names: short protein forms S221R.
Identifiers: ClinVar variation 2188478 (VCV002188478.4), dbSNP rs2518615653, ClinGen allele CA410780424.

ClinVar aggregate classification (germline): Uncertain significance (1 of 4 stars; one submission).

Submission:

Labcorp Genetics (formerly Invitae), Labcorp
Classification: Uncertain significance. Last evaluated: 2021-12-09. Review status: criteria provided, single submitter. Criteria: Invitae Variant Classification Sherloc (09022015). Collection method: clinical testing. Allele origin: germline.
Comment: In summary, the available evidence is currently insufficient to determine the role of this variant in disease. Therefore, it has been classified as a Variant of Uncertain Significance. Algorithms developed to predict the effect of missense changes on protein structure and function (SIFT, PolyPhen-2, Align-GVGD) all suggest that this variant is likely to be tolerated. This variant has not been reported in the literature in individuals affected with LZTR1-related conditions. This variant is not present in population databases (gnomAD no frequency). This sequence change replaces serine, which is neutral and polar, with arginine, which is basic and polar, at codon 221 of the LZTR1 protein (p.Ser221Arg).